The following is an entry in ClinVar:

NM_005732.4(RAD50):c.512C>T (p.Ala171Val)

Gene: RAD50 (RAD50 double strand break repair protein; plus strand). Cytogenetic location: 5q31.1.
Variant type: single nucleotide variant.
Coding change: c.512C>T on transcript NM_005732.4 (MANE Select); coding-DNA position 512, C replaced by T.
Protein change: p.Ala171Val; replaces alanine 171 with valine.
Molecular consequence: missense variant.
Genome position (GRCh38, 1-based): chr5:132,579,463, C>T. VCF-style: chr5-132579463-C-T. GRCh37 (hg19) VCF-style: chr5-131915155-C-T.
Other names: short protein forms A171V.
Identifiers: ClinVar variation 527378 (VCV000527378.9), dbSNP rs1554097781, ClinGen allele CA360934783.

ClinVar aggregate classification (germline): Uncertain significance (1 of 4 stars; one submission).

Conditions:
Hereditary cancer-predisposing syndrome. Also called: Neoplastic Syndromes, Hereditary; Tumor predisposition; Hereditary Cancer Syndrome; Hereditary neoplastic syndrome. Identifiers: Orphanet 140162, MedGen C0027672, MeSH D009386, MONDO:0015356.

Submission:

Labcorp Genetics (formerly Invitae), Labcorp
Classification: Uncertain significance for Hereditary cancer-predisposing syndrome. Last evaluated: 2022-07-19. Review status: criteria provided, single submitter. Criteria: Invitae Variant Classification Sherloc (09022015). Collection method: clinical testing. Allele origin: germline.
Comment: This variant has not been reported in the literature in individuals affected with RAD50-related conditions. This variant is not present in population databases (gnomAD no frequency). This sequence change replaces alanine, which is neutral and non-polar, with valine, which is neutral and non-polar, at codon 171 of the RAD50 protein (p.Ala171Val). ClinVar contains an entry for this variant (Variation ID: 527378). In summary, the available evidence is currently insufficient to determine the role of this variant in disease. Therefore, it has been classified as a Variant of Uncertain Significance. Algorithms developed to predict the effect of sequence changes on RNA splicing suggest that this variant may create or strengthen a splice site. Algorithms developed to predict the effect of missense changes on protein structure and function (SIFT, PolyPhen-2, Align-GVGD) all suggest that this variant is likely to be tolerated.